The following is an entry in ClinVar:

ClinVar aggregate classification (germline): Likely pathogenic (0 of 4 stars; one submission).

Conditions:
LONP1-related disorder. Also called: LONP1-related condition; LONP1-related disorders.

Submission:

PreventionGenetics, part of Exact Sciences
Classification: Likely pathogenic for LONP1-related condition. Last evaluated: 2024-01-03. Review status: no assertion criteria provided. Collection method: clinical testing. Allele origin: germline.
Comment: The LONP1 c.1176dupT variant is predicted to result in premature protein termination (p.Lys393*). To our knowledge, this variant has not been reported in the literature or in a large population database, indicating this variant is rare. Nonsense variants in LONP1 are expected to be pathogenic. This variant is interpreted as likely pathogenic.

NM_004793.4(LONP1):c.1176dup (p.Lys393Ter)

Gene: LONP1 (lon peptidase 1, mitochondrial; minus strand). Cytogenetic location: 19p13.3.
Variant type: Duplication.
Coding change: c.1176dup on transcript NM_004793.4 (MANE Select); coding-DNA position 1176, one base duplicated (T; older notation c.1176dupT).
Protein change: p.Lys393Ter; replaces lysine 393 with a stop codon.
Molecular consequence: nonsense. On other transcripts: non-coding transcript variant (1).
Genome position (GRCh38, 1-based): chr19:5,705,963, A duplicated on the plus strand (T on the coding strand, the reverse complement: LONP1 is on the minus strand). VCF-style (leftmost placement, unchanged base first): chr19-5705962-T-TA. GRCh37 (hg19) VCF-style: chr19-5705973-T-TA.
Other names: c.984dup, p.Lys329Ter (NM_001276479.2); c.588dup, p.Lys197Ter (NM_001276480.1); short protein forms K197*, K329*, K393*.
Identifiers: ClinVar variation 2632441 (VCV002632441.3), dbSNP rs2512409407, ClinGen allele CA2695198110.